The following is an entry in ClinVar:

NM_021115.5(SEZ6L):c.1515-5G>A

Gene: SEZ6L (seizure related 6 homolog like; plus strand). Cytogenetic location: 22q12.1.
Variant type: single nucleotide variant.
Coding change: c.1515-5G>A on transcript NM_021115.5 (MANE Select); 5 bases into the intron before coding-DNA position 1515, G replaced by A.
Molecular consequence: intron variant.
Genome position (GRCh38, 1-based): chr22:26,310,665, G>A. VCF-style: chr22-26310665-G-A. GRCh37 (hg19) VCF-style: chr22-26706631-G-A.
Other names: c.1515-5G>A (NM_001184773.2, NM_001184774.2, NM_001184775.2 and 2 more transcripts).
Identifiers: ClinVar variation 161553 (VCV000161553.2), dbSNP rs193920909, ClinGen allele CA174327.

ClinVar aggregate classification (germline): Uncertain significance (0 of 4 stars; one submission).

Conditions:
Prostate cancer. Also called: Malignant tumor of prostate. Identifiers: Orphanet 1331, MedGen C0376358, MONDO:0008315, HP:0012125.

Submission:

Science for Life laboratory,  Karolinska Institutet
Classification: Uncertain significance for Malignant tumor of prostate. Review status: no assertion criteria provided. Collection method: not provided. Allele origin: somatic.
Comment: TumorID:SWE-19
ClinVar note: Converted during submission from Unknown to Uncertain significance.